The following is an entry in ClinVar:

ClinVar aggregate classification (germline): Uncertain significance (1 of 4 stars; one submission).

Submission:

Quest Diagnostics Nichols Institute San Juan Capistrano
Classification: Uncertain significance. Last evaluated: 2025-06-11. Review status: criteria provided, single submitter. Criteria: Quest Diagnostics criteria. Collection method: clinical testing. Allele origin: unknown.
Comment: The VWF c.3109-9G>A variant has not been reported in individuals with VWF-related conditions in the published literature. It also has not been reported in large, multi-ethnic general populations (Genome Aggregation Database). Analysis of this variant using software algorithms for the prediction of the effect of nucleotide changes on splicing yielded predictions that this variant may affect proper VWF mRNA splicing. Based on the available information, we are unable to determine the clinical significance of this variant.

NM_000552.5(VWF):c.3109-9G>A

Gene: VWF (von Willebrand factor; minus strand). Cytogenetic location: 12p13.31.
Variant type: single nucleotide variant.
Coding change: c.3109-9G>A on transcript NM_000552.5 (MANE Select); 9 bases into the intron before coding-DNA position 3109, G replaced by A.
Molecular consequence: intron variant.
Genome position (GRCh38, 1-based): chr12:6,025,702, C>T on the plus strand (G>A on the coding strand, the complement: VWF is on the minus strand). VCF-style: chr12-6025702-C-T. GRCh37 (hg19) VCF-style: chr12-6134868-C-T.
Identifiers: ClinVar variation 4533003 (VCV004533003.1).